The following is an entry in ClinVar:

NM_173354.5(SIK1):c.625-23T>C

Gene: SIK1 (salt inducible kinase 1; minus strand). Cytogenetic location: 21q22.3.
Variant type: single nucleotide variant.
Coding change: c.625-23T>C on transcript NM_173354.5 (MANE Select); 23 bases into the intron before coding-DNA position 625, T replaced by C.
Molecular consequence: intron variant.
Genome position (GRCh38, 1-based): chr21:43,421,156, A>G on the plus strand (T>C on the coding strand, the complement: SIK1 is on the minus strand). VCF-style: chr21-43421156-A-G. GRCh37 (hg19) VCF-style: chr21-44841036-A-G.
Identifiers: ClinVar variation 1332959 (VCV001332959.5), dbSNP rs2006191, ClinGen allele CA321327506.

ClinVar aggregate classification (germline): Benign. Review status: criteria provided, multiple submitters, no conflicts (2 of 4 stars). 3 submissions from 3 submitters: Benign (3). Last evaluated 2024-07-31.

Conditions:
Developmental and epileptic encephalopathy, 30 (DEE30). Also called: Epileptic encephalopathy, early infantile, 30. Identifiers: MedGen C4225360, MONDO:0014595, OMIM 616341.

Allele frequency attached by ClinVar (database versions not stated): ExAC 0.32749; ESP Exome Variant Server 0.36076; gnomAD exomes 0.31560; 1000 Genomes Project 0.36122.

Submissions (3):

Unidad de Genómica Garrahan, Hospital de Pediatría Garrahan
Classification: Benign. Last evaluated: 2024-07-31. Review status: criteria provided, single submitter. Criteria: ACMG Guidelines, 2015. Collection method: clinical testing. Allele origin: germline. Affected: no. Observed: 43 variant alleles.
Comment: This variant is classified as Benign based on local population frequency. This variant was detected in 46% of patients studied in a panel designed for Epileptic and Developmental Encephalopathy, Progressive Myoclonus Epilepsy and Abnormal Movements and Neurodegeneration with brain iron accumulation. Number of patients: 43. Only high quality variants are reported.

Genome-Nilou Lab
Classification: Benign for Developmental and epileptic encephalopathy, 30. Last evaluated: 2021-07-15. Review status: criteria provided, single submitter. Criteria: ACMG Guidelines, 2015. Collection method: clinical testing. Allele origin: germline. Affected: no.

Breakthrough Genomics
Classification: Benign. Review status: criteria provided, single submitter. Criteria: ACMG Guidelines, 2015. Collection method: not provided. Allele origin: germline. Inheritance: Autosomal dominant inheritance. Affected: yes.